The following is an entry in ClinVar:

NM_006767.4(LZTR1):c.383G>A (p.Ser128Asn)

Gene: LZTR1 (leucine zipper like post translational regulator 1; plus strand). Cytogenetic location: 22q11.21.
Variant type: single nucleotide variant.
Coding change: c.383G>A on transcript NM_006767.4 (MANE Select); coding-DNA position 383, G replaced by A.
Protein change: p.Ser128Asn; replaces serine 128 with asparagine.
Molecular consequence: missense variant.
Genome position (GRCh38, 1-based): chr22:20,987,566, G>A. VCF-style: chr22-20987566-G-A. GRCh37 (hg19) VCF-style: chr22-21341855-G-A.
Other names: short protein forms S128N.
Identifiers: ClinVar variation 1926777 (VCV001926777.5), dbSNP rs2518612550, ClinGen allele CA410779410.

ClinVar aggregate classification (germline): Uncertain significance (1 of 4 stars; one submission).

Submission:

Labcorp Genetics (formerly Invitae), Labcorp
Classification: Uncertain significance. Last evaluated: 2022-04-07. Review status: criteria provided, single submitter. Criteria: Invitae Variant Classification Sherloc (09022015). Collection method: clinical testing. Allele origin: germline.
Comment: This sequence change replaces serine, which is neutral and polar, with asparagine, which is neutral and polar, at codon 128 of the LZTR1 protein (p.Ser128Asn). This variant is not present in population databases (gnomAD no frequency). This variant has not been reported in the literature in individuals affected with LZTR1-related conditions. Algorithms developed to predict the effect of missense changes on protein structure and function are either unavailable or do not agree on the potential impact of this missense change (SIFT: "Deleterious"; PolyPhen-2: "Benign"; Align-GVGD: "Class C45"). In summary, the available evidence is currently insufficient to determine the role of this variant in disease. Therefore, it has been classified as a Variant of Uncertain Significance.